The following is an entry in ClinVar:

ClinVar aggregate classification (germline): Uncertain significance (1 of 4 stars; one submission).

gnomAD v4.1: 1 of 1,612,636 alleles (0.000062%); highest among the groups gnomAD compares: South Asian, 0.0011%; no homozygotes.

Submission:

Labcorp Genetics (formerly Invitae), Labcorp
Classification: Uncertain significance. Last evaluated: 2024-12-13. Review status: criteria provided, single submitter. Criteria: Invitae Variant Classification Sherloc (09022015). Collection method: clinical testing. Allele origin: germline.
Comment: This sequence change replaces histidine, which is basic and polar, with tyrosine, which is neutral and polar, at codon 1072 of the JAK1 protein (p.His1072Tyr). This variant is not present in population databases (gnomAD no frequency). This variant has not been reported in the literature in individuals affected with JAK1-related conditions. An algorithm developed to predict the effect of missense changes on protein structure and function (PolyPhen-2) suggests that this variant is likely to be tolerated. In summary, the available evidence is currently insufficient to determine the role of this variant in disease. Therefore, it has been classified as a Variant of Uncertain Significance.

NM_002227.4(JAK1):c.3214C>T (p.His1072Tyr)

Gene: JAK1 (Janus kinase 1; minus strand). Cytogenetic location: 1p31.3.
Variant type: single nucleotide variant.
Coding change: c.3214C>T on transcript NM_002227.4 (MANE Select); coding-DNA position 3214, C replaced by T.
Protein change: p.His1072Tyr; replaces histidine 1072 with tyrosine.
Molecular consequence: missense variant.
Genome position (GRCh38, 1-based): chr1:64,836,142, G>A on the plus strand (C>T on the coding strand, the complement: JAK1 is on the minus strand). VCF-style: chr1-64836142-G-A. GRCh37 (hg19) VCF-style: chr1-65301825-G-A.
Other names: c.3214C>T, p.His1072Tyr (NM_001320923.2, NM_001321852.2, NM_001321853.2 and 3 more transcripts); c.3211C>T, p.His1071Tyr (NM_001321857.2); short protein forms H1071Y, H1072Y.
Identifiers: ClinVar variation 3682488 (VCV003682488.2).
Genomic context (GRCh38, chr1:64,836,142, plus strand): 5'-GAAAAGTAGGACTTACAGCCATGGGACTAGAATCTGAATCACAGTAAGTCAGCAGCTCAT[G>A]CAGAGTGACTCCAAAAGACCAGACGTCAGAGGCAATATAAAATTTAGATTGCATTAAACA-3'
Protein context (NP_002218.2, residues 1062-1082): SDVWSFGVTL[His1072Tyr]ELLTYCDSDS